The following is an entry in ClinVar:

ClinVar aggregate classification (germline): Likely benign (1 of 4 stars; one submission).

gnomAD v4.1: 7 of 1,613,392 alleles (0.00043%); highest among the groups gnomAD compares: African/African-American, 0.0013%; no homozygotes.

Submission:

CeGaT Center for Human Genetics Tuebingen
Classification: Likely benign. Last evaluated: 2026-09-01. Review status: criteria provided, single submitter. Criteria: CeGaT Center For Human Genetics Tuebingen Variant Classification Criteria Version 2. Collection method: clinical testing. Allele origin: germline. Affected: yes. Observed: 1 variant allele.
Comment: TRRAP: BP4, BP7

NM_001375524.1(TRRAP):c.10947C>T (p.Arg3649=)

Gene: TRRAP (transformation/transcription domain associated protein; plus strand). Cytogenetic location: 7q22.1.
Variant type: single nucleotide variant.
Coding change: c.10947C>T on transcript NM_001375524.1 (MANE Select); coding-DNA position 10947, C replaced by T.
Protein change: p.Arg3649=; no amino-acid change (arginine 3649 retained).
Molecular consequence: synonymous variant.
Genome position (GRCh38, 1-based): chr7:99,011,060, C>T. VCF-style: chr7-99011060-C-T. GRCh37 (hg19) VCF-style: chr7-98608683-C-T.
Other names: c.10905C>T, p.Arg3635= (NM_001244580.2); c.10818C>T, p.Arg3606= (NM_003496.4).
Identifiers: ClinVar variation 5041092 (VCV005041092.1).
Genomic context (GRCh38, chr7:99,011,060, plus strand): 5'-CCAAAAAAAATCAGTGAGTGAGATGGGAGTGTCACGGAGCGCTGTGTTTCAGGTCCTCCG[C>T]GACATCCTCAAGGAGGTTCAGAGTAACATGGTGCCGCGCAGCATGCTCAAGGAGTGGGCG-3'
Protein context (NP_001362453.1, residues 3639-3659): RGTQASHQVL[Arg3649=]DILKEVQSNM